The following is an entry in ClinVar:

NM_031892.3(SH3KBP1):c.1370G>A (p.Arg457His)

Gene: SH3KBP1 (SH3 domain containing kinase binding protein 1; minus strand). Cytogenetic location: Xp22.12.
Variant type: single nucleotide variant.
Coding change: c.1370G>A on transcript NM_031892.3 (MANE Select); coding-DNA position 1370, G replaced by A.
Protein change: p.Arg457His; replaces arginine 457 with histidine.
Molecular consequence: missense variant.
Genome position (GRCh38, 1-based): chrX:19,569,117, C>T on the plus strand (G>A on the coding strand, the complement: SH3KBP1 is on the minus strand). VCF-style: chrX-19569117-C-T. GRCh37 (hg19) VCF-style: chrX-19587235-C-T.
Other names: c.1259G>A, p.Arg420His (NM_001024666.3); c.656G>A, p.Arg219His (NM_001184960.2, NM_001353897.2); c.1370G>A, p.Arg457His (NM_001353890.2); c.1445G>A, p.Arg482His (NM_001353891.2, NM_001353892.2); c.1268G>A, p.Arg423His (NM_001353893.2, NM_001353894.2); c.1325G>A, p.Arg442His (NM_001353895.2); c.1502G>A, p.Arg501His (NM_001410756.1, NM_001410757.1); c.1193G>A, p.Arg398His (NM_001410758.1); short protein forms R420H, R457H, R482H, R501H, R398H, R423H, R442H, R219H.
Identifiers: ClinVar variation 4749363 (VCV004749363.1).

ClinVar aggregate classification (germline): Uncertain significance (1 of 4 stars; one submission).

Submission:

Labcorp Genetics (formerly Invitae), Labcorp
Classification: Uncertain significance. Last evaluated: 2025-03-30. Review status: criteria provided, single submitter. Criteria: Invitae Variant Classification Sherloc (09022015). Collection method: clinical testing. Allele origin: germline.
Comment: This sequence change replaces arginine, which is basic and polar, with histidine, which is basic and polar, at codon 457 of the SH3KBP1 protein (p.Arg457His). This variant is present in population databases (rs149913721, gnomAD 0.03%). This variant has not been reported in the literature in individuals affected with SH3KBP1-related conditions. Invitae Evidence Modeling of protein sequence and biophysical properties (such as structural, functional, and spatial information, amino acid conservation, physicochemical variation, residue mobility, and thermodynamic stability) indicates that this missense variant is not expected to disrupt SH3KBP1 protein function with a negative predictive value of 80%. In summary, the available evidence is currently insufficient to determine the role of this variant in disease. Therefore, it has been classified as a Variant of Uncertain Significance.